The following is an entry in ClinVar:

NC_000018.9:g.(21136578_21137080)_(21166471_?)dup

Gene: NPC1 (NPC intracellular cholesterol transporter 1; minus strand). Cytogenetic location: 18q11.2.
Variant type: Duplication.
Identifiers: ClinVar variation 3366518 (VCV003366518.1).

ClinVar aggregate classification (germline): Uncertain significance (1 of 4 stars; one submission).

Submission:

Women's Health and Genetics/Laboratory Corporation of America, LabCorp
Classification: Uncertain significance. Last evaluated: 2024-08-02. Review status: criteria provided, single submitter. Criteria: LabCorp Variant Classification Summary - May 2015. Collection method: clinical testing. Allele origin: germline.
Comment: Variant summary: The variant involves the duplication of exons 1-7 in the NPC1 gene. A presumed nomenclature of c.(?_-164)_(955+1_956-1)dup has been designated for the purposes of this classification. The exact breakpoint at the 5' end of this variant is unknown, therefore this duplication may extend upstream of the annotated region of this gene. It is predicted to duplicate a segment including the initiation codon, therefore its impact on the encoded protein is unknown. The variant was absent in 21694 control chromosomes (gnomAD SV database v4). The available data on variant occurrences in the general population are insufficient to allow any conclusion about variant significance. To our knowledge, no occurrence of c.(?_-164)_(955+1_956-1)dup in individuals affected with Niemann-Pick Disease Type C and no experimental evidence demonstrating its impact on protein function have been reported. ClinVar contains an entry for this variant (Variation ID: 1472331). Based on the evidence outlined above, the variant was classified as uncertain significance.